The following is an entry in ClinVar:

NM_003900.5(SQSTM1):c.1316dup (p.Leu440fs)

Gene: SQSTM1 (sequestosome 1; plus strand). Cytogenetic location: 5q35.3.
Variant type: Duplication.
Coding change: c.1316dup on transcript NM_003900.5 (MANE Select); coding-DNA position 1316, one base duplicated (C; older notation c.1316dupC).
Protein change: p.Leu440fs; shifts the reading frame from leucine 440.
Molecular consequence: frameshift variant.
Genome position (GRCh38, 1-based): chr5:179,836,586, C duplicated; the last of 2 consecutive C bases (chr5:179,836,585-179,836,586); duplicating either gives the same sequence. VCF-style (leftmost placement, unchanged base first): chr5-179836584-G-GC. GRCh37 (hg19) VCF-style: chr5-179263584-G-GC.
Other names: c.1064dup, p.Leu356fs (NM_001142298.2, NM_001142299.2); short protein forms L356fs, L440fs.
Identifiers: ClinVar variation 2036209 (VCV002036209.4), dbSNP rs2480265660, ClinGen allele CA2580074126.

ClinVar aggregate classification (germline): Uncertain significance (1 of 4 stars; one submission).

Conditions:
Paget disease of bone 2, early-onset (PDB2). Also called: Paget disease of bone 2. Identifiers: MedGen C4085251, MONDO:0011183, OMIM 602080.
Frontotemporal dementia and/or amyotrophic lateral sclerosis 1 (FTDALS1). Also called: C9orf72 Frontotemporal Dementia and/or Amyotrophic Lateral Sclerosis; Frontotemporal dementia with motor neuron disease 1. Identifiers: Orphanet 275872, MedGen C5779877, MONDO:0007105, OMIM 105550.

Submission:

Labcorp Genetics (formerly Invitae), Labcorp
Classification: Uncertain significance for Paget disease of bone 2, early-onset; Frontotemporal dementia and/or amyotrophic lateral sclerosis 1. Last evaluated: 2025-04-17. Review status: criteria provided, single submitter. Criteria: Invitae Variant Classification Sherloc (09022015). Collection method: clinical testing. Allele origin: germline.
Comment: This sequence change results in a frameshift in the SQSTM1 gene (p.Leu440Valfs*49). While this is not anticipated to result in nonsense mediated decay, it is expected to disrupt the last 1 amino acid(s) of the SQSTM1 protein and extend the protein by 47 additional amino acid residues. This variant is not present in population databases (gnomAD no frequency). This variant has not been reported in the literature in individuals affected with SQSTM1-related conditions. ClinVar contains an entry for this variant (Variation ID: 2036209). Experimental studies and prediction algorithms are not available or were not evaluated, and the functional significance of this variant is currently unknown. In summary, the available evidence is currently insufficient to determine the role of this variant in disease. Therefore, it has been classified as a Variant of Uncertain Significance.